The following is an entry in ClinVar:

ClinVar aggregate classification (germline): Uncertain significance. Review status: criteria provided, single submitter (1 of 4 stars). 2 submissions from 2 submitters: Uncertain significance (1). 1 of the submissions does not count toward it. Last evaluated 2022-07-19.

Conditions:
Congenital hyperammonemia, type I. Also called: CPS I DEFICIENCY; Carbamoyl phosphate synthetase 1 deficiency; Hyperammonemia due to carbamoyl phosphate synthetase 1 deficiency; CPS 1 deficiency; Carbamyl phosphate synthetase (CPS) deficiency; Carbamoyl phosphate synthetase I deficiency disease. Identifiers: Orphanet 147, MedGen C4082171, MONDO:0009376, OMIM 237300.

Allele frequency attached by ClinVar (database versions not stated): TOPMed below 0.00001.

Submissions (2):

Labcorp Genetics (formerly Invitae), Labcorp
Classification: Uncertain significance for Congenital hyperammonemia, type I. Last evaluated: 2022-07-19. Review status: criteria provided, single submitter. Criteria: Invitae Variant Classification Sherloc (09022015). Collection method: clinical testing. Allele origin: germline.
Comment: This variant is not present in population databases (gnomAD no frequency). In summary, the available evidence is currently insufficient to determine the role of this variant in disease. Therefore, it has been classified as a Variant of Uncertain Significance. Algorithms developed to predict the effect of missense changes on protein structure and function are either unavailable or do not agree on the potential impact of this missense change (SIFT: "Deleterious"; PolyPhen-2: "Possibly Damaging"; Align-GVGD: "Class C0"). ClinVar contains an entry for this variant (Variation ID: 863697). This variant has not been reported in the literature in individuals affected with CPS1-related conditions. This sequence change replaces methionine, which is neutral and non-polar, with threonine, which is neutral and polar, at codon 585 of the CPS1 protein (p.Met585Thr).

Natera, Inc.
Classification: Uncertain significance for Carbamoyl-phosphate synthase I deficiency. Last evaluated: 2021-04-09. Review status: no assertion criteria provided. Collection method: clinical testing. Allele origin: germline. Not counted in ClinVar's aggregate classification.

NM_001875.5(CPS1):c.1754T>C (p.Met585Thr)

Gene: CPS1 (carbamoyl-phosphate synthase 1; plus strand). Cytogenetic location: 2q34.
Variant type: single nucleotide variant.
Coding change: c.1754T>C on transcript NM_001875.5 (MANE Select); coding-DNA position 1754, T replaced by C.
Protein change: p.Met585Thr; replaces methionine 585 with threonine.
Molecular consequence: missense variant. On other transcripts: non-coding transcript variant (2).
Genome position (GRCh38, 1-based): chr2:210,602,248, T>C. VCF-style: chr2-210602248-T-C. GRCh37 (hg19) VCF-style: chr2-211466972-T-C.
Other names: c.1754T>C, p.Met585Thr (NM_001122633.3, NM_001369257.1); c.1787T>C, p.Met596Thr (NM_001369256.1); short protein forms M585T, M596T.
Identifiers: ClinVar variation 863697 (VCV000863697.14), dbSNP rs1698751783, ClinGen allele CA350437427.